The following is an entry in ClinVar:

ClinVar aggregate classification (germline): Uncertain significance (1 of 4 stars; one submission).

Conditions:
Hereditary cancer-predisposing syndrome. Also called: Neoplastic Syndromes, Hereditary; Tumor predisposition; Hereditary Cancer Syndrome; Hereditary neoplastic syndrome. Identifiers: Orphanet 140162, MedGen C0027672, MeSH D009386, MONDO:0015356.

Submission:

Ambry Genetics
Classification: Uncertain significance for Hereditary cancer-predisposing syndrome. Last evaluated: 2018-05-10. Review status: criteria provided, single submitter. Criteria: Ambry Variant Classification Scheme 2023. Collection method: clinical testing. Allele origin: germline.
Comment: The p.V526L variant (also known as c.1576G>C), located in coding exon 4 of the MSH6 gene, results from a G to C substitution at nucleotide position 1576. The valine at codon 526 is replaced by leucine, an amino acid with highly similar properties. This amino acid position is well conserved in available vertebrate species. In addition, the in silico prediction for this alteration is inconclusive. In addition, the CoDP in silico tool predicts this alteration to have a minor impact on molecular function, with a score of 0.006 (Terui H et al. J. Biomed. Sci. 2013 Apr;20:25). Since supporting evidence is limited at this time, the clinical significance of this alteration remains unclear.

NM_000179.3(MSH6):c.1576G>C (p.Val526Leu)

Gene: MSH6 (mutS homolog 6; plus strand). Cytogenetic location: 2p16.3.
Variant type: single nucleotide variant.
Coding change: c.1576G>C on transcript NM_000179.3 (MANE Select); coding-DNA position 1576, G replaced by C.
Protein change: p.Val526Leu; replaces valine 526 with leucine.
Molecular consequence: missense variant.
Genome position (GRCh38, 1-based): chr2:47,799,559, G>C. VCF-style: chr2-47799559-G-C. GRCh37 (hg19) VCF-style: chr2-48026698-G-C.
Other names: c.1186G>C, p.Val396Leu (NM_001281492.2); c.670G>C, p.Val224Leu (NM_001281493.2, NM_001281494.2); short protein forms V224L, V396L, V526L.
Identifiers: ClinVar variation 819574 (VCV000819574.4), dbSNP rs1060502899, ClinGen allele CA346746823.
Genomic context (GRCh38, chr2:47,799,559, plus strand): 5'-GATAGAGTGGTGAGGAGGGAGATCTGTAGGATCATTACCAAGGGTACACAGACTTACAGT[G>C]TGCTGGAAGGTGATCCCTCTGAGAACTACAGTAAGTATCTTCTTAGCCTCAAAGAAAAAG-3'
Protein context (NP_000170.1, residues 516-536): IITKGTQTYS[Val526Leu]LEGDPSENYS